The following is an entry in ClinVar:

NM_004519.4(KCNQ3):c.*3823G>A

Gene: KCNQ3 (potassium voltage-gated channel subfamily Q member 3; minus strand). Cytogenetic location: 8q24.22.
Variant type: single nucleotide variant.
Coding change: c.*3823G>A on transcript NM_004519.4 (MANE Select); 3823 bases downstream of the stop codon, G replaced by A.
Molecular consequence: 3 prime UTR variant.
Genome position (GRCh38, 1-based): chr8:132,125,439, C>T on the plus strand (G>A on the coding strand, the complement: KCNQ3 is on the minus strand). VCF-style: chr8-132125439-C-T. GRCh37 (hg19) VCF-style: chr8-133137686-C-T.
Other names: c.*3823G>A (NM_001204824.2).
Identifiers: ClinVar variation 361817 (VCV000361817.7), dbSNP rs17651980, ClinGen allele CA10630185.
Genomic context (GRCh38, chr8:132,125,439, plus strand): 5'-ATTTTATTTTCCTGGTAGACATAGTTTGAAGGGACCTCTGATGTTTGAGACCTCTAGATT[C>T]CTAGCATTTTGATGGCAGAAACTGTGGTTTTCTTATCTCTGAACTTCCAGTGCACTGCAA-3'

ClinVar aggregate classification (germline): Benign/Likely benign. Review status: criteria provided, multiple submitters, no conflicts (2 of 4 stars). 2 submissions from 2 submitters: Benign (1); Likely benign (1). Last evaluated 2018-01-12.

Conditions:
Seizures, benign familial neonatal, 2. Also called: CONVULSIONS, BENIGN FAMILIAL NEONATAL, 2; KCNQ3-Related Self-Limited Familial Neonatal Epilepsy (SLFNE); Benign Neonatal Epilepsy 2; KCNQ3-Related Benign Familial Neonatal Epilepsy; Seizures, benign neonatal, 2. Identifiers: Orphanet 1949, MedGen C1852581, MONDO:0007366, OMIM 121201.

Allele frequency attached by ClinVar (database versions not stated): 1000 Genomes Project 30x 0.00593; 1000 Genomes Project 0.00519; gnomAD 0.00951 and 0.00954; TOPMed 0.01031.

Submissions (2):

Illumina Laboratory Services, Illumina
Classification: Benign for Seizures, benign familial neonatal, 2. Last evaluated: 2018-01-12. Review status: criteria provided, single submitter. Criteria: ICSL Variant Classification Criteria 13 December 2019. Collection method: clinical testing. Allele origin: germline.
Comment: This variant was observed in the ICSL laboratory as part of a predisposition screen in an ostensibly healthy population. It had not been previously curated by ICSL or reported in the Human Gene Mutation Database (HGMD: prior to June 1st, 2018), and was therefore a candidate for classification through an automated scoring system. Utilizing variant allele frequency, disease prevalence and penetrance estimates, and inheritance mode, an automated score was calculated to assess if this variant is too frequent to cause the disease. Based on the score and internal cut-off values, a variant classified as benign is not then subjected to further curation. The score for this variant resulted in a classification of benign for this disease.

Breakthrough Genomics
Classification: Likely benign. Review status: criteria provided, single submitter. Criteria: ACMG Guidelines, 2015. Collection method: not provided. Allele origin: germline. Inheritance: Autosomal dominant inheritance. Affected: yes.